The following is an entry in ClinVar:

ClinVar aggregate classification (germline): Likely pathogenic (1 of 4 stars; one submission).

Conditions:
Duchenne muscular dystrophy (DMD). Also called: Duchenne Muscular Dystrophy (DMD); MUSCULAR DYSTROPHY, PSEUDOHYPERTROPHIC PROGRESSIVE, DUCHENNE TYPE. Identifiers: Orphanet 98896, MedGen C0013264, MONDO:0010679, OMIM 310200.

Submission:

Neuberg Centre For Genomic Medicine, NCGM
Classification: Likely pathogenic for Duchenne muscular dystrophy. Review status: criteria provided, single submitter. Criteria: ACMG Guidelines, 2015. Collection method: clinical testing. Allele origin: germline. Inheritance: X-linked inheritance. Affected: yes.
Comment: The frameshift deletion p.V3297Sfs*33 in DMD (NM_004006.3) has not been reported previously as a pathogenic variant nor as a benign variant, to our knowledge. The p.V3297Sfs*33 variant is novel (not in any individuals) in gnomAD Exomes and is novel (not in any individuals) in 1000 Genomes. This variant is predicted to cause loss of normal protein function through protein truncation caused a frameshift mutation. The frame shifted sequence continues 33 residues until a stop codon is reached. The p.V3297Sfs*33 variant is a loss of function variant in the gene DMD, which is intolerant of Loss of Function variants. For these reasons, this variant has been classified as Likely Pathogenic.

NM_004006.3(DMD):c.9888del (p.Val3297fs)

Gene: DMD (dystrophin; minus strand). Cytogenetic location: Xp21.2.
Variant type: Deletion.
Coding change: c.9888del on transcript NM_004006.3 (MANE Select); coding-DNA position 9888, one base deleted (C; older notation c.9888delC).
Protein change: p.Val3297fs; shifts the reading frame from valine 3297.
Molecular consequence: frameshift variant.
Genome position (GRCh38, 1-based): chrX:31,182,824, G deleted on the plus strand (C on the coding strand, the reverse complement: DMD is on the minus strand); the first of 3 consecutive G bases (chrX:31,182,824-31,182,826); deleting any one gives the same sequence. VCF-style (leftmost placement, unchanged base first): chrX-31182823-CG-C. GRCh37 (hg19) VCF-style: chrX-31200940-CG-C.
Other names: c.9864del, p.Val3289fs (NM_000109.4); c.9886delC, p.Val3297Serfs (NM_004006.2); c.9876del, p.Val3293fs (NM_004009.3); c.9519del, p.Val3174fs (NM_004010.3); c.5865del, p.Val1956fs (NM_004011.4); c.5856del, p.Val1953fs (NM_004012.4); c.2508del, p.Val837fs (NM_004013.3, NM_004020.4, NM_004021.3 and 2 more transcripts); c.1701del, p.Val568fs (NM_004014.3); and 1 more; short protein forms V1953fs, V568fs, V837fs, V3289fs, V229fs, V3174fs, V3293fs, V3297fs.
Identifiers: ClinVar variation 2585247 (VCV002585247.1), dbSNP rs2520023216, ClinGen allele CA2582342899.